The following is an entry in ClinVar:

ClinVar aggregate classification (germline): Uncertain significance (1 of 4 stars; one submission).

Conditions:
Charcot-Marie-Tooth disease recessive intermediate C. Also called: CHARCOT-MARIE-TOOTH NEUROPATHY, RECESSIVE INTERMEDIATE C. Identifiers: Orphanet 369867, MedGen C3809309, MONDO:0014154, OMIM 615376.
Neuronopathy, distal hereditary motor, autosomal recessive 4. Also called: NEUROPATHY, DISTAL HEREDITARY MOTOR, AUTOSOMAL RECESSIVE 4; Autosomal recessive lower motor neuron disease with childhood onset. Identifiers: Orphanet 206580, MedGen C1970211, MONDO:0012608, OMIM 611067.

Allele frequency attached by ClinVar (database versions not stated): gnomAD exomes below 0.00001; TOPMed 0.00001; gnomAD 0.00002.
gnomAD v4.1: 9 of 1,613,450 alleles (0.00056%); highest among the groups gnomAD compares: Admixed American, 0.0083%; no homozygotes.

Submission:

Labcorp Genetics (formerly Invitae), Labcorp
Classification: Uncertain significance for Neuronopathy, distal hereditary motor, autosomal recessive 4; Charcot-Marie-Tooth disease recessive intermediate C. Last evaluated: 2022-07-13. Review status: criteria provided, single submitter. Criteria: Invitae Variant Classification Sherloc (09022015). Collection method: clinical testing. Allele origin: germline.
Comment: This sequence change replaces aspartic acid, which is acidic and polar, with asparagine, which is neutral and polar, at codon 163 of the PLEKHG5 protein (p.Asp163Asn). This variant is present in population databases (no rsID available, gnomAD 0.0008%). This variant has not been reported in the literature in individuals affected with PLEKHG5-related conditions. ClinVar contains an entry for this variant (Variation ID: 1518537). Algorithms developed to predict the effect of missense changes on protein structure and function are either unavailable or do not agree on the potential impact of this missense change (SIFT: "Tolerated"; PolyPhen-2: "Possibly Damaging"; Align-GVGD: "Class C0"). In summary, the available evidence is currently insufficient to determine the role of this variant in disease. Therefore, it has been classified as a Variant of Uncertain Significance.

NM_020631.6(PLEKHG5):c.487G>A (p.Asp163Asn)

Gene: PLEKHG5 (pleckstrin homology and RhoGEF domain containing G5; minus strand). Cytogenetic location: 1p36.31.
Variant type: single nucleotide variant.
Coding change: c.487G>A on transcript NM_020631.6 (MANE Select); coding-DNA position 487, G replaced by A.
Protein change: p.Asp163Asn; replaces aspartic acid 163 with asparagine.
Molecular consequence: missense variant.
Genome position (GRCh38, 1-based): chr1:6,474,117, C>T on the plus strand (G>A on the coding strand, the complement: PLEKHG5 is on the minus strand). VCF-style: chr1-6474117-C-T. GRCh37 (hg19) VCF-style: chr1-6534177-C-T.
Other names: c.598G>A, p.Asp200Asn (NM_001042663.3, NM_001265592.2); c.487G>A, p.Asp163Asn (NM_001042664.2, NM_001042665.2, NM_001265594.3 and 1 more transcripts); c.694G>A, p.Asp232Asn (NM_001265593.2); short protein forms D163N, D200N, D232N.
Identifiers: ClinVar variation 1518537 (VCV001518537.5), dbSNP rs886471004, ClinGen allele CA17243254.